The following is an entry in ClinVar:

ClinVar aggregate classification (germline): Conflicting classifications of pathogenicity. Review status: criteria provided, conflicting classifications (1 of 4 stars). 9 submissions from 9 submitters: Uncertain significance (8); Likely benign (1). Last evaluated 2026-04-21.

Conditions:
BAP1-related tumor predisposition syndrome (TPDS1). Also called: Tumor susceptibility linked to germline BAP1 mutations; BAP1 tumor predisposition syndrome; COMMON Syndrome; TUMOR PREDISPOSITION SYNDROME 1. Identifiers: Orphanet 289539, MedGen C3280492, MONDO:0013692, OMIM 614327.
BAP1-related disorder. Also called: BAP1-related condition.
Hereditary cancer-predisposing syndrome. Also called: Neoplastic Syndromes, Hereditary; Tumor predisposition; Hereditary neoplastic syndrome; Hereditary Cancer Syndrome. Identifiers: Orphanet 140162, MedGen C0027672, MeSH D009386, MONDO:0015356.

Allele frequency attached by ClinVar (database versions not stated): gnomAD 0.00001; TOPMed 0.00002.
gnomAD v4.1: 5 of 1,614,076 alleles (0.00031%); highest among the groups gnomAD compares: Admixed American, 0.0067%; no homozygotes.

Submissions (9):

PreventionGenetics, part of Exact Sciences
Classification: Uncertain significance for BAP1-related condition. Last evaluated: 2026-04-21. Review status: criteria provided, single submitter. Criteria: ACMG Guidelines, 2015. Collection method: clinical testing. Allele origin: germline.
Comment: The BAP1 c.1555C>T variant is predicted to result in the amino acid substitution p.Pro519Ser. To our knowledge, this variant has not been reported in the literature. This variant is reported in 0.011% of alleles in individuals of Latino descent in gnomAD. This variant has conflicting interpretations in ClinVar ranging from uncertain to likely benign (Variation ID: 629419). At this time, the clinical significance of this variant is uncertain due to the absence of conclusive functional and genetic evidence.

Labcorp Genetics (formerly Invitae), Labcorp
Classification: Uncertain significance for BAP1-related tumor predisposition syndrome. Last evaluated: 2026-02-01. Review status: criteria provided, single submitter. Criteria: Invitae Variant Classification Sherloc (09022015). Collection method: clinical testing. Allele origin: germline.
Comment: This sequence change replaces proline, which is neutral and non-polar, with serine, which is neutral and polar, at codon 519 of the BAP1 protein (p.Pro519Ser). This variant is present in population databases (no rsID available, gnomAD 0.009%). This variant has not been reported in the literature in individuals affected with BAP1-related conditions. ClinVar contains an entry for this variant (Variation ID: 629419). Invitae Evidence Modeling of protein sequence and biophysical properties (such as structural, functional, and spatial information, amino acid conservation, physicochemical variation, residue mobility, and thermodynamic stability) indicates that this missense variant is not expected to disrupt BAP1 protein function with a negative predictive value of 80%. In summary, the available evidence is currently insufficient to determine the role of this variant in disease. Therefore, it has been classified as a Variant of Uncertain Significance.

Quest Diagnostics Nichols Institute San Juan Capistrano
Classification: Uncertain significance. Last evaluated: 2025-05-29. Review status: criteria provided, single submitter. Criteria: Quest Diagnostics criteria. Collection method: clinical testing. Allele origin: unknown.
Comment: The BAP1 c.1555C>T (p.Pro519Ser) variant has not been reported in individuals with BAP1-related conditions in the published literature. The frequency of this variant in the general population (Genome Aggregation Database) is uninformative in the assessment of its pathogenicity. Analysis of this variant using bioinformatics tools for the prediction of the effect of amino acid changes on protein structure and function yielded conflicting predictions that this variant is benign or damaging. Based on the available information, we are unable to determine the clinical significance of this variant.

GeneDx
Classification: Uncertain significance. Last evaluated: 2024-06-06. Review status: criteria provided, single submitter. Criteria: GeneDx Variant Classification Process June 2021. Collection method: clinical testing. Allele origin: germline. Affected: yes.
Comment: Has not been previously published as pathogenic or benign to our knowledge; Not observed at significant frequency in large population cohorts (gnomAD); In silico analysis indicates that this missense variant does not alter protein structure/function

Color Diagnostics, LLC DBA Color Health
Classification: Uncertain significance for Hereditary cancer-predisposing syndrome. Last evaluated: 2024-03-06. Review status: criteria provided, single submitter. Criteria: ACMG Guidelines, 2015. Collection method: clinical testing. Allele origin: germline.
Comment: This missense variant replaces proline with serine at codon 519 of the BAP1 protein. Computational prediction suggests that this variant may not impact protein structure and function (internally defined REVEL score threshold <= 0.5, PMID: 27666373). Splice site prediction tools suggest that this variant may not impact RNA splicing. To our knowledge, functional studies have not been performed for this variant. This variant has not been reported in individuals affected with hereditary cancer in the literature. This variant has been identified in 4/282492 chromosomes in the general population by the Genome Aggregation Database (gnomAD). The available evidence is insufficient to determine the role of this variant in disease conclusively. Therefore, this variant is classified as a Variant of Uncertain Significance.

Baylor Genetics
Classification: Uncertain significance for BAP1-related tumor predisposition syndrome. Last evaluated: 2024-02-29. Review status: criteria provided, single submitter. Criteria: ACMG Guidelines, 2015. Collection method: clinical testing. Allele origin: unknown.

Ambry Genetics
Classification: Likely benign for Hereditary cancer-predisposing syndrome. Last evaluated: 2023-07-25. Review status: criteria provided, single submitter. Criteria: Ambry Variant Classification Scheme 2023. Collection method: clinical testing. Allele origin: germline.

Institute for Clinical Genetics, University Hospital TU Dresden, University Hospital TU Dresden
Classification: Uncertain significance. Last evaluated: 2021-11-03. Review status: criteria provided, single submitter. Criteria: ACMG Guidelines, 2015. Collection method: clinical testing. Allele origin: germline.

Institute of Human Genetics, University of Leipzig Medical Center
Classification: Uncertain significance for BAP1-related tumor predisposition syndrome. Last evaluated: 2019-01-01. Review status: criteria provided, single submitter. Criteria: ACMG Guidelines, 2015. Collection method: clinical testing. Allele origin: unknown. Affected: yes.

NM_004656.4(BAP1):c.1555C>T (p.Pro519Ser)

Gene: BAP1 (BRCA1 associated deubiquitinase 1; minus strand). Cytogenetic location: 3p21.1.
Variant type: single nucleotide variant.
Coding change: c.1555C>T on transcript NM_004656.4 (MANE Select); coding-DNA position 1555, C replaced by T.
Protein change: p.Pro519Ser; replaces proline 519 with serine.
Molecular consequence: missense variant.
Genome position (GRCh38, 1-based): chr3:52,403,590, G>A on the plus strand (C>T on the coding strand, the complement: BAP1 is on the minus strand). VCF-style: chr3-52403590-G-A. GRCh37 (hg19) VCF-style: chr3-52437606-G-A.
Other names: short protein forms P519S.
Identifiers: ClinVar variation 629419 (VCV000629419.30), dbSNP rs759622893, ClinGen allele CA353100703.